The following is an entry in ClinVar:

ClinVar aggregate classification (germline): other (0 of 4 stars; one submission).

Conditions:
Familial colorectal cancer. Identifiers: MedGen CN280943, MONDO:0023113. Disease mechanism: loss of function.

Submission:

Systems Biology Platform Zhejiang California International NanoSystems Institute
Classification: other for Familial colorectal cancer. Review status: no assertion criteria provided. Collection method: not provided. Allele origin: unknown.
ClinVar note: Converted during submission from cancer to other.

NM_000038.6(APC):c.423-2719G>T

Gene: APC (APC regulator of WNT signaling pathway; plus strand). Cytogenetic location: 5q22.2.
Variant type: single nucleotide variant.
Coding change: c.423-2719G>T on transcript NM_000038.6 (MANE Select); 2719 bases into the intron before coding-DNA position 423, G replaced by T.
Molecular consequence: intron variant.
Genome position (GRCh38, 1-based): chr5:112,772,910, G>T. VCF-style: chr5-112772910-G-T. GRCh37 (hg19) VCF-style: chr5-112108607-G-T.
Other names: c.423-2719G>T (NM_001354895.2, NM_001127510.3, NM_001354896.2 and 2 more transcripts); c.453-2719G>T (NM_001354897.2, NM_001354902.2, NM_001127511.3); c.348-2719G>T (NM_001354898.2, NM_001354904.2); c.-613-2719G>T (NM_001354906.2); c.246-2719G>T (NM_001354900.2, NM_001354901.2, NM_001354905.2).
Identifiers: ClinVar variation 82419 (VCV000082419.2), dbSNP rs77986923, ClinGen allele CA009242.